The following is an entry in ClinVar:

ClinVar aggregate classification (germline): Uncertain significance. Review status: criteria provided, multiple submitters, no conflicts (2 of 4 stars). 3 submissions from 3 submitters: Uncertain significance (3). Last evaluated 2024-11-25.

Conditions:
Sessile serrated polyposis cancer syndrome (SSPCS). Identifiers: Orphanet 157798, MedGen C4310714, MONDO:0014919, OMIM 617108.

Allele frequency attached by ClinVar (database versions not stated): gnomAD exomes below 0.00001; TOPMed below 0.00001.
gnomAD v4.1: 2 of 1,612,504 alleles (0.00012%); highest among the groups gnomAD compares: Non-Finnish European, 0.00017%; no homozygotes.

Submissions (3):

Ambry Genetics
Classification: Uncertain significance. Last evaluated: 2024-11-25. Review status: criteria provided, single submitter. Criteria: Ambry Variant Classification Scheme 2023. Collection method: clinical testing. Allele origin: germline.
Comment: The p.G540E variant (also known as c.1619G>A), located in coding exon 8 of the RNF43 gene, results from a G to A substitution at nucleotide position 1619. The glycine at codon 540 is replaced by glutamic acid, an amino acid with similar properties. This amino acid position is conserved. In addition, this alteration is predicted to be tolerated by in silico analysis. Based on the available evidence, the clinical significance of this variant remains unclear.

Labcorp Genetics (formerly Invitae), Labcorp
Classification: Uncertain significance. Last evaluated: 2024-04-22. Review status: criteria provided, single submitter. Criteria: Invitae Variant Classification Sherloc (09022015). Collection method: clinical testing. Allele origin: germline.
Comment: This sequence change replaces glycine, which is neutral and non-polar, with glutamic acid, which is acidic and polar, at codon 540 of the RNF43 protein (p.Gly540Glu). This variant is not present in population databases (gnomAD no frequency). This variant has not been reported in the literature in individuals affected with RNF43-related conditions. Algorithms developed to predict the effect of missense changes on protein structure and function output the following: SIFT: "Not Available"; PolyPhen-2: "Benign"; Align-GVGD: "Not Available". The glutamic acid amino acid residue is found in multiple mammalian species, which suggests that this missense change does not adversely affect protein function. In summary, the available evidence is currently insufficient to determine the role of this variant in disease. Therefore, it has been classified as a Variant of Uncertain Significance.

Baylor Genetics
Classification: Uncertain significance for Sessile serrated polyposis cancer syndrome. Last evaluated: 2024-01-08. Review status: criteria provided, single submitter. Criteria: ACMG Guidelines, 2015. Collection method: clinical testing. Allele origin: unknown.

NM_017763.6(RNF43):c.1619G>A (p.Gly540Glu)

Gene: RNF43 (ring finger protein 43; minus strand). Cytogenetic location: 17q22.
Variant type: single nucleotide variant.
Coding change: c.1619G>A on transcript NM_017763.6 (MANE Select); coding-DNA position 1619, G replaced by A.
Protein change: p.Gly540Glu; replaces glycine 540 with glutamic acid.
Molecular consequence: missense variant.
Genome position (GRCh38, 1-based): chr17:58,358,157, C>T on the plus strand (G>A on the coding strand, the complement: RNF43 is on the minus strand). VCF-style: chr17-58358157-C-T. GRCh37 (hg19) VCF-style: chr17-56435518-C-T.
Other names: c.1619G>A (NM_017763.4); c.1619G>A, p.Gly540Glu (NM_001305544.3); c.1238G>A, p.Gly413Glu (NM_001305545.2); short protein forms G413E, G540E.
Identifiers: ClinVar variation 3240370 (VCV003240370.4), dbSNP rs1567873334.